The following is an entry in ClinVar:

ClinVar aggregate classification (germline): Uncertain significance. Review status: criteria provided, multiple submitters, no conflicts (2 of 4 stars). 2 submissions from 2 submitters: Uncertain significance (2). Last evaluated 2024-03-25.

gnomAD v4.1: 23 of 1,614,054 alleles (0.0014%); highest among the groups gnomAD compares: Non-Finnish European, 0.0018%; no homozygotes.

Submissions (2):

GeneDx
Classification: Uncertain significance. Last evaluated: 2024-03-25. Review status: criteria provided, single submitter. Criteria: GeneDx Variant Classification Process June 2021. Collection method: clinical testing. Allele origin: germline. Affected: yes.
Comment: Not observed at significant frequency in large population cohorts (gnomAD); In silico analysis supports that this missense variant has a deleterious effect on protein structure/function; This variant is associated with the following publications: (PMID: 33478492, 29615062)

Blueprint Genetics
Classification: Uncertain significance. Last evaluated: 2021-09-07. Review status: criteria provided, single submitter. Criteria: ACMG Guidelines, 2015. Collection method: clinical testing. Allele origin: germline.

NM_005548.3(KARS1):c.731T>G (p.Phe244Cys)

Gene: KARS1 (lysyl-tRNA synthetase 1; minus strand). Cytogenetic location: 16q23.1.
Variant type: single nucleotide variant.
Coding change: c.731T>G on transcript NM_005548.3 (MANE Select); coding-DNA position 731, T replaced by G.
Protein change: p.Phe244Cys; replaces phenylalanine 244 with cysteine.
Molecular consequence: missense variant.
Genome position (GRCh38, 1-based): chr16:75,635,744, A>C on the plus strand (T>G on the coding strand, the complement: KARS1 is on the minus strand). VCF-style: chr16-75635744-A-C. GRCh37 (hg19) VCF-style: chr16-75669642-A-C.
Other names: c.815T>G, p.Phe272Cys (NM_001130089.2); c.263T>G, p.Phe88Cys (NM_001378148.1); short protein forms F244C, F272C, F88C.
Identifiers: ClinVar variation 3343879 (VCV003343879.2).